The following is an entry in ClinVar:

NM_016373.4(WWOX):c.782A>G (p.Glu261Gly)

Gene: WWOX (WW domain containing oxidoreductase; plus strand). Cytogenetic location: 16q23.1.
Variant type: single nucleotide variant.
Coding change: c.782A>G on transcript NM_016373.4 (MANE Select); coding-DNA position 782, A replaced by G.
Protein change: p.Glu261Gly; replaces glutamic acid 261 with glycine.
Molecular consequence: missense variant.
Genome position (GRCh38, 1-based): chr16:78,425,046, A>G. VCF-style: chr16-78425046-A-G. GRCh37 (hg19) VCF-style: chr16-78458943-A-G.
Other names: c.443A>G, p.Glu148Gly (NM_001291997.2); short protein forms E148G, E261G.
Identifiers: ClinVar variation 1315815 (VCV001315815.4), dbSNP rs1464495960, ClinGen allele CA396842991.

ClinVar aggregate classification (germline): Uncertain significance. Review status: criteria provided, multiple submitters, no conflicts (2 of 4 stars). 2 submissions from 2 submitters: Uncertain significance (2). Last evaluated 2021-12-24.

Conditions:
Developmental and epileptic encephalopathy, 1 (DEE1). Also called: INFANTILE SPASM SYNDROME, X-LINKED 1; X-linked infantile spasms; West's syndrome; Tonic spasms with clustering, arrest of psychomotor development and hypsarrhythmia on EEG; X-Linked Infantile Spasm Syndrome; OHTAHARA SYNDROME, X-LINKED. Identifiers: MedGen C3463992, MONDO:0010632, OMIM 308350. Disease mechanism: loss of function.
Autosomal recessive spinocerebellar ataxia 12. Also called: SPINOCEREBELLAR ATAXIA WITH MENTAL RETARDATION AND EPILEPSY. Identifiers: Orphanet 284282, MedGen C3280452, MONDO:0013687, OMIM 614322.

Allele frequency attached by ClinVar (database versions not stated): gnomAD exomes below 0.00001.
gnomAD v4.1: 1 of 1,613,784 alleles (0.000062%); highest among the groups gnomAD compares: Admixed American, 0.0017%; no homozygotes.

Submissions (2):

Labcorp Genetics (formerly Invitae), Labcorp
Classification: Uncertain significance for Developmental and epileptic encephalopathy, 1; Autosomal recessive spinocerebellar ataxia 12. Last evaluated: 2021-12-24. Review status: criteria provided, single submitter. Criteria: Invitae Variant Classification Sherloc (09022015). Collection method: clinical testing. Allele origin: germline.
Comment: In summary, the available evidence is currently insufficient to determine the role of this variant in disease. Therefore, it has been classified as a Variant of Uncertain Significance. Algorithms developed to predict the effect of missense changes on protein structure and function are either unavailable or do not agree on the potential impact of this missense change (SIFT: "Not Available"; PolyPhen-2: "Probably Damaging"; Align-GVGD: "Not Available"). ClinVar contains an entry for this variant (Variation ID: 1315815). This variant has not been reported in the literature in individuals affected with WWOX-related conditions. This variant is present in population databases (no rsID available, gnomAD 0.003%). This sequence change replaces glutamic acid, which is acidic and polar, with glycine, which is neutral and non-polar, at codon 261 of the WWOX protein (p.Glu261Gly).

GeneDx
Classification: Uncertain significance. Last evaluated: 2020-02-04. Review status: criteria provided, single submitter. Criteria: GeneDx Variant Classification Process June 2021. Collection method: clinical testing. Allele origin: germline. Affected: yes.
Comment: Not observed at a significant frequency in large population cohorts (Lek et al., 2016); In silico analysis supports that this missense variant has a deleterious effect on protein structure/function; Has not been previously published as pathogenic or benign to our knowledge